The following is an entry in ClinVar:

ClinVar aggregate classification (germline): Likely benign (1 of 4 stars; one submission).

Conditions:
BMPR1A-related disorder. Also called: BMPR1A-related condition.

Submission:

PreventionGenetics, part of Exact Sciences
Classification: Likely benign for BMPR1A-related condition. Last evaluated: 2025-09-11. Review status: criteria provided, single submitter. Criteria: ACMG Guidelines, 2015. Collection method: clinical testing. Allele origin: germline.
Comment: This variant is classified as likely benign based on ACMG/AMP sequence variant interpretation guidelines (Richards et al. 2015 PMID: 25741868, with internal and published modifications).

NM_004329.3(BMPR1A):c.-566G>C

Genes: BMPR1A (bone morphogenetic protein receptor type 1A; plus strand), LOC130004245 (ATAC-STARR-seq lymphoblastoid silent region 2573; plus strand). Cytogenetic location: 10q23.2.
Variant type: single nucleotide variant.
Coding change: c.-566G>C on transcript NM_004329.3 (MANE Select); 566 bases upstream of the start codon, G replaced by C.
Molecular consequence: 5 prime UTR variant. On other transcripts: non-coding transcript variant (3), intron variant (5).
Genome position (GRCh38, 1-based): chr10:86,756,621, G>C. VCF-style: chr10-86756621-G-C. GRCh37 (hg19) VCF-style: chr10-88516378-G-C.
Other names: c.-566G>C (NM_001406559.1, NM_001406560.1, NM_001406583.1 and 1 more transcripts); c.-671G>C (NM_001406561.1); c.-963G>C (NM_001406563.1); c.-826G>C (NM_001406565.1); c.-880G>C (NM_001406569.1); c.-695G>C (NM_001406570.1); c.-985G>C (NM_001406571.1); c.-915G>C (NM_001406572.1); and 20 more.
Identifiers: ClinVar variation 4995233 (VCV004995233.1).